The following is an entry in ClinVar:

NM_006950.3(SYN1):c.1381C>A (p.Pro461Thr)

Gene: SYN1 (synapsin I; minus strand). Cytogenetic location: Xp11.3.
Variant type: single nucleotide variant.
Coding change: c.1381C>A on transcript NM_006950.3 (MANE Select); coding-DNA position 1381, C replaced by A.
Protein change: p.Pro461Thr; replaces proline 461 with threonine.
Molecular consequence: missense variant.
Genome position (GRCh38, 1-based): chrX:47,574,700, G>T on the plus strand (C>A on the coding strand, the complement: SYN1 is on the minus strand). VCF-style: chrX-47574700-G-T. GRCh37 (hg19) VCF-style: chrX-47434099-G-T.
Other names: c.1381C>A, p.Pro461Thr (NM_133499.2); short protein forms P461T.
Identifiers: ClinVar variation 4055862 (VCV004055862.2).

ClinVar aggregate classification (germline): Uncertain significance (1 of 4 stars; one submission).

gnomAD v4.1: 3 of 1,184,756 alleles (0.00025%); highest among the groups gnomAD compares: Non-Finnish European, 0.00034%; no homozygotes.

Submission:

GeneDx
Classification: Uncertain significance. Last evaluated: 2026-02-24. Review status: criteria provided, single submitter. Criteria: GeneDx Variant Classification Process June 2021. Collection method: clinical testing. Allele origin: germline.
Comment: Not observed at significant frequency in large population cohorts (gnomAD); In silico analysis supports that this missense variant has a deleterious effect on protein structure/function; Has not been previously published as pathogenic or benign to our knowledge